The following is an entry in ClinVar:

NM_033109.5(PNPT1):c.1846A>G (p.Lys616Glu)

Gene: PNPT1 (polyribonucleotide nucleotidyltransferase 1; minus strand). Cytogenetic location: 2p16.1.
Variant type: single nucleotide variant.
Coding change: c.1846A>G on transcript NM_033109.5 (MANE Select); coding-DNA position 1846, A replaced by G.
Protein change: p.Lys616Glu; replaces lysine 616 with glutamic acid.
Molecular consequence: missense variant.
Genome position (GRCh38, 1-based): chr2:55,644,697, T>C on the plus strand (A>G on the coding strand, the complement: PNPT1 is on the minus strand). VCF-style: chr2-55644697-T-C. GRCh37 (hg19) VCF-style: chr2-55871832-T-C.
Other names: short protein forms K616E.
Identifiers: ClinVar variation 2502754 (VCV002502754.1), dbSNP rs2529481292, ClinGen allele CA346924568.
Genomic context (GRCh38, chr2:55,644,697, plus strand): 5'-CTGTTTCAGCCTGAAGTTTTTTTAAGTTATAGCCACCAGGTCCAACAAATTTTGCTCGTT[T>C]TGATAATGGAACCTGAACAGTTTCTGGAACGTAATACAGACAAATATATAAACAATTCAA-3'
Protein context (NP_149100.2, residues 606-626): VVETVQVPLS[Lys616Glu]RAKFVGPGGY

ClinVar aggregate classification (germline): Uncertain significance (1 of 4 stars; one submission).

Submission:

GeneDx
Classification: Uncertain significance. Last evaluated: 2022-11-18. Review status: criteria provided, single submitter. Criteria: GeneDx Variant Classification Process June 2021. Collection method: clinical testing. Allele origin: germline. Affected: yes.
Comment: Not observed at significant frequency in large population cohorts (gnomAD); In silico analysis supports that this missense variant does not alter protein structure/function; Has not been previously published as pathogenic or benign to our knowledge